The following is an entry in ClinVar:

NM_005918.4(MDH2):c.543T>G (p.Val181=)

Gene: MDH2 (malate dehydrogenase 2; plus strand). Cytogenetic location: 7q11.23.
Variant type: single nucleotide variant.
Coding change: c.543T>G on transcript NM_005918.4 (MANE Select); coding-DNA position 543, T replaced by G.
Protein change: p.Val181=; no amino-acid change (valine 181 retained).
Molecular consequence: synonymous variant. On other transcripts: intron variant (1).
Genome position (GRCh38, 1-based): chr7:76,060,486, T>G. VCF-style: chr7-76060486-T-G. GRCh37 (hg19) VCF-style: chr7-75689804-T-G.
Other names: c.222T>G, p.Val74= (NM_001282404.2); c.429+2408T>G (NM_001282403.2).
Identifiers: ClinVar variation 781036 (VCV000781036.37), dbSNP rs61742694, ClinGen allele CA4305572.

ClinVar aggregate classification (germline): Benign/Likely benign. Review status: criteria provided, multiple submitters, no conflicts (2 of 4 stars). 4 submissions from 4 submitters: Benign (1); Likely benign (3). Last evaluated 2026-07-01.

Conditions:
Inborn genetic diseases. Identifiers: MedGen C0950123, MeSH D030342.

Allele frequency attached by ClinVar (database versions not stated): 1000 Genomes Project 30x 0.00141; 1000 Genomes Project 0.00180; gnomAD exomes 0.00026; ExAC 0.00033; gnomAD 0.00100 and 0.00111; TOPMed 0.00121; ESP Exome Variant Server 0.00123.
gnomAD v4.1: 380 of 1,614,148 alleles (0.024%); highest among the groups gnomAD compares: African/African-American, 0.36%; 2 homozygotes.

Submissions (4):

CeGaT Center for Human Genetics Tuebingen
Classification: Likely benign. Last evaluated: 2026-07-01. Review status: criteria provided, single submitter. Criteria: CeGaT Center For Human Genetics Tuebingen Variant Classification Criteria Version 2. Collection method: clinical testing. Allele origin: germline. Affected: yes. Observed: 4 variant alleles.
Comment: MDH2: BP4, BP7

Labcorp Genetics (formerly Invitae), Labcorp
Classification: Benign. Last evaluated: 2026-02-03. Review status: criteria provided, single submitter. Criteria: Invitae Variant Classification Sherloc (09022015). Collection method: clinical testing. Allele origin: germline.

Blueprint Genetics
Classification: Likely benign. Last evaluated: 2024-08-12. Review status: criteria provided, single submitter. Criteria: ACMG Guidelines, 2015. Collection method: clinical testing. Allele origin: germline.

Ambry Genetics
Classification: Likely benign for Inborn genetic diseases. Last evaluated: 2022-02-12. Review status: criteria provided, single submitter. Criteria: Ambry Variant Classification Scheme 2023. Collection method: clinical testing. Allele origin: germline.